The following is an entry in ClinVar:

ClinVar aggregate classification (germline): Uncertain significance (1 of 4 stars; one submission).

Conditions:
Legius syndrome. Identifiers: Orphanet 137605, MedGen C1969623, MONDO:0012669, OMIM 611431. Disease mechanism: loss of function.

Submission:

Labcorp Genetics (formerly Invitae), Labcorp
Classification: Uncertain significance for Legius syndrome. Last evaluated: 2025-04-06. Review status: criteria provided, single submitter. Criteria: Invitae Variant Classification Sherloc (09022015). Collection method: clinical testing. Allele origin: germline.
Comment: This sequence change falls in intron 2 of the SPRED1 gene. It does not directly change the encoded amino acid sequence of the SPRED1 protein. It affects a nucleotide within the consensus splice site. This variant is not present in population databases (gnomAD no frequency). This variant has not been reported in the literature in individuals affected with SPRED1-related conditions. Variants that disrupt the consensus splice site are a relatively common cause of aberrant splicing (PMID: 17576681, 9536098). Algorithms developed to predict the effect of sequence changes on RNA splicing suggest that this variant is not likely to affect RNA splicing. In summary, the available evidence is currently insufficient to determine the role of this variant in disease. Therefore, it has been classified as a Variant of Uncertain Significance.

Literature cited by the submitters: PubMed 17576681; PubMed 9536098.

NM_152594.3(SPRED1):c.207+6G>A

Gene: SPRED1 (sprouty related EVH1 domain containing 1; plus strand). Cytogenetic location: 15q14.
Variant type: single nucleotide variant.
Coding change: c.207+6G>A on transcript NM_152594.3 (MANE Select); 6 bases into the intron after coding-DNA position 207, G replaced by A.
Molecular consequence: intron variant.
Genome position (GRCh38, 1-based): chr15:38,299,553, G>A. VCF-style: chr15-38299553-G-A. GRCh37 (hg19) VCF-style: chr15-38591754-G-A.
Identifiers: ClinVar variation 4798184 (VCV004798184.1).